The following is an entry in ClinVar:

ClinVar aggregate classification (germline): Benign. Review status: criteria provided, multiple submitters, no conflicts (2 of 4 stars). 4 submissions from 4 submitters: Benign (3). 1 of the submissions does not count toward it. Last evaluated 2026-02-03.

Conditions:
LIPT2-related disorder. Also called: LIPT2-related condition.
Encephalopathy, neonatal severe, with lactic acidosis and brain abnormalities (NELABA). Also called: Lipoyl transferase 2 deficiency; LIPOYLTRANSFERASE 2 DEFICIENCY. Identifiers: Orphanet 447795, MedGen C5681203, MONDO:0060562, OMIM 617668.

Allele frequency attached by ClinVar (database versions not stated): gnomAD exomes 0.99495; TOPMed 0.93095; 1000 Genomes Project 0.93271; ExAC 0.99476.

Submissions (4):

Labcorp Genetics (formerly Invitae), Labcorp
Classification: Benign. Last evaluated: 2026-02-03. Review status: criteria provided, single submitter. Criteria: Invitae Variant Classification Sherloc (09022015). Collection method: clinical testing. Allele origin: germline.

Genome-Nilou Lab
Classification: Benign for Encephalopathy, neonatal severe, with lactic acidosis and brain abnormalities. Last evaluated: 2021-08-19. Review status: criteria provided, single submitter. Criteria: ACMG Guidelines, 2015. Collection method: clinical testing. Allele origin: germline. Affected: no.

Breakthrough Genomics
Classification: Benign. Review status: criteria provided, single submitter. Criteria: ACMG Guidelines, 2015. Collection method: not provided. Allele origin: germline. Inheritance: Autosomal recessive inheritance. Affected: yes.

PreventionGenetics, part of Exact Sciences
Classification: Benign for LIPT2-related condition. Last evaluated: 2021-02-10. Review status: no assertion criteria provided. Collection method: clinical testing. Allele origin: germline. Not counted in ClinVar's aggregate classification.
Comment: This variant is classified as benign based on ACMG/AMP sequence variant interpretation guidelines (Richards et al. 2015 PMID: 25741868, with internal and published modifications).

NM_001144869.3(LIPT2):c.22T>C (p.Leu8=)

Genes: LIPT2 (lipoyl(octanoyl) transferase 2; minus strand), LIPT2-AS1 (LIPT2 antisense RNA 1; plus strand). Cytogenetic location: 11q13.4.
Variant type: single nucleotide variant.
Coding change: c.22T>C on transcript NM_001144869.3 (MANE Select); coding-DNA position 22, T replaced by C.
Protein change: p.Leu8=; no amino-acid change (leucine 8 retained).
Molecular consequence: synonymous variant. On other transcripts: non-coding transcript variant (1).
Genome position (GRCh38, 1-based): chr11:74,493,682, A>G on the plus strand (T>C on the coding strand, the complement: LIPT2 is on the minus strand). VCF-style: chr11-74493682-A-G. GRCh37 (hg19) VCF-style: chr11-74204727-A-G.
Other names: c.22T>C (NM_001144869.2); c.22T>C, p.Leu8= (NM_001329941.2, NM_001329942.2).
Identifiers: ClinVar variation 1165286 (VCV001165286.14), dbSNP rs4944895, ClinGen allele CA6184937.